The following is an entry in ClinVar:

NM_000038.6(APC):c.5327T>A (p.Val1776Glu)

Gene: APC (APC regulator of Wnt signaling pathway; plus strand). Cytogenetic location: 5q22.2.
Variant type: single nucleotide variant.
Coding change: c.5327T>A on transcript NM_000038.6 (MANE Select); coding-DNA position 5327, T replaced by A.
Protein change: p.Val1776Glu; replaces valine 1776 with glutamic acid.
Molecular consequence: missense variant. On other transcripts: non-coding transcript variant (2).
Genome position (GRCh38, 1-based): chr5:112,840,921, T>A. VCF-style: chr5-112840921-T-A. GRCh37 (hg19) VCF-style: chr5-112176618-T-A.
Other names: c.5381T>A, p.Val1794Glu (NM_001354896.2, NM_001407447.1, NM_001407448.1 and 1 more transcripts); c.5357T>A, p.Val1786Glu (NM_001354897.2); c.5252T>A, p.Val1751Glu (NM_001354898.2); c.5243T>A, p.Val1748Glu (NM_001354899.2); c.5204T>A, p.Val1735Glu (NM_001354900.2); c.5150T>A, p.Val1717Glu (NM_001354901.2, NM_001407453.1); c.5054T>A, p.Val1685Glu (NM_001354902.2); c.5024T>A, p.Val1675Glu (NM_001354903.2, NM_001407458.1, NM_001407459.1 and 1 more transcripts); and 11 more; short protein forms V1493E, V1650E, V1748E, V1766E, V1616E, V1717E, V1751E, V1769E.
Identifiers: ClinVar variation 3412450 (VCV003412450.1).

ClinVar aggregate classification (germline): Uncertain significance (1 of 4 stars; one submission).

Conditions:
Hereditary cancer-predisposing syndrome. Also called: Neoplastic Syndromes, Hereditary; Tumor predisposition; Hereditary Cancer Syndrome; Hereditary neoplastic syndrome. Identifiers: Orphanet 140162, MedGen C0027672, MeSH D009386, MONDO:0015356.

Submission:

Ambry Genetics
Classification: Uncertain significance for Hereditary cancer-predisposing syndrome. Last evaluated: 2024-11-21. Review status: criteria provided, single submitter. Criteria: Ambry Variant Classification Scheme 2023. Collection method: clinical testing. Allele origin: germline.
Comment: The p.V1776E variant (also known as c.5327T>A), located in coding exon 15 of the APC gene, results from a T to A substitution at nucleotide position 5327. The valine at codon 1776 is replaced by glutamic acid, an amino acid with dissimilar properties. This amino acid position is conserved. In addition, in silico predictors for this gene do not accurately predict pathogenicity. Based on the available evidence, the clinical significance of this variant remains unclear.